The following is an entry in ClinVar:

ClinVar aggregate classification (germline): Likely benign (1 of 4 stars; one submission).

Submission:

Center for Genomic Medicine, Rigshospitalet, Copenhagen University Hospital
Classification: Likely benign. Last evaluated: 2025-03-04. Review status: criteria provided, single submitter. Criteria: ACMG Guidelines, 2015. Collection method: clinical testing. Allele origin: germline.
Comment: Classification criteria: BP4

NM_144997.7(FLCN):c.396+39C>T

Gene: FLCN (folliculin; minus strand). Cytogenetic location: 17p11.2.
Variant type: single nucleotide variant.
Coding change: c.396+39C>T on transcript NM_144997.7 (MANE Select); 39 bases into the intron after coding-DNA position 396, C replaced by T.
Molecular consequence: intron variant.
Genome position (GRCh38, 1-based): chr17:17,226,137, G>A on the plus strand (C>T on the coding strand, the complement: FLCN is on the minus strand). VCF-style: chr17-17226137-G-A. GRCh37 (hg19) VCF-style: chr17-17129451-G-A.
Other names: c.396+39C>T (NM_001353231.2, NM_001353230.2, NM_001353229.2 and 1 more transcripts).
Identifiers: ClinVar variation 3765185 (VCV003765185.1).
Genomic context (GRCh38, chr17:17,226,137, plus strand): 5'-GTGCCTGCCTCCCTGTGCAATGCTGGCTCCGAGCCCACCCAGAGCACCTGGGAGCATGTG[G>A]GCTCCCACAGAGACAGGCTCTGTGGCCACAAGGCTCACCTCACAGCTCAGGCTCCGGACA-3'